The following is an entry in ClinVar:

NM_021913.5(AXL):c.1803C>T (p.Ile601=)

Gene: AXL (AXL receptor tyrosine kinase; plus strand). Cytogenetic location: 19q13.2.
Variant type: single nucleotide variant.
Coding change: c.1803C>T on transcript NM_021913.5 (MANE Select); coding-DNA position 1803, C replaced by T.
Protein change: p.Ile601=; no amino-acid change (isoleucine 601 retained).
Molecular consequence: synonymous variant.
Genome position (GRCh38, 1-based): chr19:41,252,442, C>T. VCF-style: chr19-41252442-C-T. GRCh37 (hg19) VCF-style: chr19-41758347-C-T.
Other names: c.999C>T, p.Ile333= (NM_001278599.2); c.1776C>T, p.Ile592= (NM_001699.6).
Identifiers: ClinVar variation 3034751 (VCV003034751.4), dbSNP rs146060336, ClinGen allele CA9458452.
Genomic context (GRCh38, chr19:41,252,442, plus strand): 5'-TTTCCTGAGTGAAGCGGTCTGCATGAAGGAATTTGACCATCCCAACGTCATGAGGCTCAT[C>T]GGTGAGAGAGGGGCAGATTCAAGGGGTCTACAAGCCCCATGGGGGCCATAGCAGAGGGAA-3'
Protein context (NP_068713.2, residues 591-611): EFDHPNVMRL[Ile601=]GVCFQGSERE

ClinVar aggregate classification (germline): Uncertain significance. Review status: criteria provided, single submitter (1 of 4 stars). 2 submissions from 2 submitters: Uncertain significance (1). 1 of the submissions does not count toward it. Last evaluated 2025-08-03.

Conditions:
AXL-related disorder. Also called: AXL-related condition.

Allele frequency attached by ClinVar (database versions not stated): gnomAD 0.00068; ExAC 0.00015; 1000 Genomes Project 0.00020; 1000 Genomes Project 30x 0.00031; ESP Exome Variant Server 0.00046; TOPMed 0.00065.
gnomAD v4.1: 206 of 1,613,894 alleles (0.013%); highest among the groups gnomAD compares: African/African-American, 0.23%; no homozygotes.

Submissions (2):

Labcorp Genetics (formerly Invitae), Labcorp
Classification: Uncertain significance. Last evaluated: 2025-08-03. Review status: criteria provided, single submitter. Criteria: Invitae Variant Classification Sherloc (09022015). Collection method: clinical testing. Allele origin: germline.
Comment: This sequence change affects codon 601 of the AXL mRNA. It is a 'silent' change, meaning that it does not change the encoded amino acid sequence of the AXL protein. It affects a nucleotide within the consensus splice site. This variant is present in population databases (rs146060336, gnomAD 0.2%), and has an allele count higher than expected for a pathogenic variant. This variant has not been reported in the literature in individuals affected with AXL-related conditions. ClinVar contains an entry for this variant (Variation ID: 3034751). Algorithms developed to predict the effect of sequence changes on RNA splicing suggest that this variant is not likely to affect RNA splicing. In summary, the available evidence is currently insufficient to determine the role of this variant in disease. Therefore, it has been classified as a Variant of Uncertain Significance.

PreventionGenetics, part of Exact Sciences
Classification: Likely benign for AXL-related condition. Last evaluated: 2019-08-12. Review status: no assertion criteria provided. Collection method: clinical testing. Allele origin: germline. Not counted in ClinVar's aggregate classification.
Comment: This variant is classified as likely benign based on ACMG/AMP sequence variant interpretation guidelines (Richards et al. 2015 PMID: 25741868, with internal and published modifications).